The following is an entry in ClinVar:

ClinVar aggregate classification (germline): Benign/Likely benign. Review status: criteria provided, multiple submitters, no conflicts (2 of 4 stars). 6 submissions from 6 submitters: Benign (4); Likely benign (1). 1 of the submissions does not count toward it. Last evaluated 2026-02-03.

Conditions:
Isolated microphthalmia 5. Also called: Posterior Microphthalmia with Retinitis Pigmentosa, Foveoschisis, and Optic Disc Drusen. Identifiers: Orphanet 251279, MedGen C1970236, MONDO:0012605, OMIM 611040.

Allele frequency attached by ClinVar (database versions not stated): ESP Exome Variant Server 0.22505; 1000 Genomes Project 0.20148; TOPMed 0.20955; 1000 Genomes Project 30x 0.20518; gnomAD 0.23503.
gnomAD v4.1: 344,193 of 1,613,692 alleles (21%); highest among the groups gnomAD compares: African/African-American, 23%; 37,687 homozygotes.

Submissions (6):

Labcorp Genetics (formerly Invitae), Labcorp
Classification: Benign for Isolated microphthalmia 5. Last evaluated: 2026-02-03. Review status: criteria provided, single submitter. Criteria: Invitae Variant Classification Sherloc (09022015). Collection method: clinical testing. Allele origin: germline.

GeneDx
Classification: Benign. Last evaluated: 2020-04-10. Review status: criteria provided, single submitter. Criteria: GeneDx Variant Classification Process June 2021. Collection method: clinical testing. Allele origin: germline. Affected: yes.

Eurofins Ntd Llc (ga)
Classification: Benign. Last evaluated: 2014-11-24. Review status: criteria provided, single submitter. Criteria: EGL Classification Definitions 2015. Collection method: clinical testing. Allele origin: germline. Observed: 5 variant alleles, 4 heterozygotes, 1 homozygote.

Breakthrough Genomics
Classification: Likely benign. Review status: criteria provided, single submitter. Criteria: ACMG Guidelines, 2015. Collection method: not provided. Allele origin: germline. Inheritance: Autosomal recessive inheritance. Affected: yes.

PreventionGenetics, part of Exact Sciences
Classification: Benign. Review status: criteria provided, single submitter. Criteria: ACMG Guidelines, 2015. Collection method: clinical testing. Allele origin: germline.

Department of Ophthalmology and Visual Sciences Kyoto University
Classification: Likely benign. Review status: no assertion criteria provided. Collection method: not provided. Allele origin: unknown. Not counted in ClinVar's aggregate classification.
ClinVar note: Converted during submission from probable-non-pathogenic to Likely benign.

NM_031433.4(MFRP):c.492C>T (p.Tyr164=)

Genes: MFRP (membrane frizzled-related protein; minus strand), C1QTNF5 (C1q and TNF related 5; minus strand). Cytogenetic location: 11q23.3.
Variant type: single nucleotide variant.
Coding change: c.492C>T on transcript NM_031433.4 (MANE Select); coding-DNA position 492, C replaced by T.
Protein change: p.Tyr164=; no amino-acid change (tyrosine 164 retained).
Molecular consequence: synonymous variant. On other transcripts: 5 prime UTR variant (1).
Genome position (GRCh38, 1-based): chr11:119,345,569, G>A on the plus strand (C>T on the coding strand, the complement: MFRP is on the minus strand). VCF-style: chr11-119345569-G-A. GRCh37 (hg19) VCF-style: chr11-119216279-G-A.
Other names: c.-2145C>T (NM_015645.5).
Identifiers: ClinVar variation 143157 (VCV000143157.21), dbSNP rs36015759, ClinGen allele CA017235.